The following is an entry in ClinVar:

ClinVar aggregate classification (germline): Uncertain significance (1 of 4 stars; one submission).

Submission:

Labcorp Genetics (formerly Invitae), Labcorp
Classification: Uncertain significance. Last evaluated: 2022-07-08. Review status: criteria provided, single submitter. Criteria: Invitae Variant Classification Sherloc (09022015). Collection method: clinical testing. Allele origin: germline.
Comment: This sequence change falls in intron 1 of the VPS33B gene. It does not directly change the encoded amino acid sequence of the VPS33B protein. Information on the frequency of this variant in the gnomAD database is not available, as this variant may be reported differently in the database. This variant has not been reported in the literature in individuals affected with VPS33B-related conditions. Experimental studies and prediction algorithms are not available or were not evaluated, and the functional significance of this variant is currently unknown. In summary, the available evidence is currently insufficient to determine the role of this variant in disease. Therefore, it has been classified as a Variant of Uncertain Significance.

NM_018668.5(VPS33B):c.96+18_96+19delinsAT

Gene: VPS33B (VPS33B late endosome and lysosome associated; minus strand). Cytogenetic location: 15q26.1.
Variant type: Indel.
Coding change: c.96+18_96+19delinsAT on transcript NM_018668.5 (MANE Select); bases 18 to 19 of the intron after coding-DNA position 96, GC replaced by AT.
Molecular consequence: intron variant.
Genome position (GRCh38, 1-based): chr15:91,022,135-91,022,136, GC replaced by AT on the plus strand (GC replaced by AT on the coding strand, the reverse complement: VPS33B is on the minus strand). VCF-style: chr15-91022135-GC-AT. GRCh37 (hg19) VCF-style: chr15-91565365-GC-AT.
Other names: c.96+18_96+19delinsAT (NM_001289148.1); c.-116+18_-116+19delinsAT (NM_001289149.1).
Identifiers: ClinVar variation 1904894 (VCV001904894.2), dbSNP rs2544283330, ClinGen allele CA2580090292.